The following is an entry in ClinVar:

ClinVar aggregate classification (germline): Benign/Likely benign. Review status: criteria provided, multiple submitters, no conflicts (2 of 4 stars). 5 submissions from 5 submitters: Benign (1); Likely benign (3). 1 of the submissions does not count toward it. Last evaluated 2025-12-28.

Conditions:
NOTCH1-related disorder. Also called: NOTCH1-related condition; NOTCH1-related disorders.
Adams-Oliver syndrome 5 (AOS5). Identifiers: Orphanet 974, MedGen C4014970, MONDO:0014459, OMIM 616028.
Familial thoracic aortic aneurysm and aortic dissection (TAAD). Also called: Thoracic aortic aneurysms and dissections. Identifiers: Orphanet 91387, MedGen C4707243, MONDO:0019625.

Allele frequency attached by ClinVar (database versions not stated): ExAC 0.00003; gnomAD exomes 0.00005; TOPMed 0.00006; gnomAD 0.00007 and 0.00009.
gnomAD v4.1: 168 of 1,612,634 alleles (0.01%); highest among the groups gnomAD compares: Non-Finnish European, 0.013%; no homozygotes.

Submissions (5):

Labcorp Genetics (formerly Invitae), Labcorp
Classification: Benign for Adams-Oliver syndrome 5. Last evaluated: 2025-12-28. Review status: criteria provided, single submitter. Criteria: Invitae Variant Classification Sherloc (09022015). Collection method: clinical testing. Allele origin: germline.

CeGaT Center for Human Genetics Tuebingen
Classification: Likely benign. Last evaluated: 2024-12-01. Review status: criteria provided, single submitter. Criteria: CeGaT Center For Human Genetics Tuebingen Variant Classification Criteria Version 2. Collection method: clinical testing. Allele origin: germline. Affected: yes. Observed: 3 variant alleles.
Comment: NOTCH1: BP4, BP7

GeneDx
Classification: Likely benign. Last evaluated: 2017-11-30. Review status: criteria provided, single submitter. Criteria: GeneDx Variant Classification (06012015). Collection method: clinical testing. Allele origin: germline. Affected: yes.
Comment: This variant is considered likely benign or benign based on one or more of the following criteria: it is a conservative change, it occurs at a poorly conserved position in the protein, it is predicted to be benign by multiple in silico algorithms, and/or has population frequency not consistent with disease.

Ambry Genetics
Classification: Likely benign for Familial thoracic aortic aneurysm and aortic dissection. Last evaluated: 2016-10-14. Review status: criteria provided, single submitter. Criteria: Ambry Variant Classification Scheme 2023. Collection method: clinical testing. Allele origin: germline.

PreventionGenetics, part of Exact Sciences
Classification: Likely benign for NOTCH1-related condition. Last evaluated: 2019-03-21. Review status: no assertion criteria provided. Collection method: clinical testing. Allele origin: germline. Not counted in ClinVar's aggregate classification.
Comment: This variant is classified as likely benign based on ACMG/AMP sequence variant interpretation guidelines (Richards et al. 2015 PMID: 25741868, with internal and published modifications).

NM_017617.5(NOTCH1):c.999C>T (p.Ser333=)

Gene: NOTCH1 (notch receptor 1; minus strand). Cytogenetic location: 9q34.3.
Variant type: single nucleotide variant.
Coding change: c.999C>T on transcript NM_017617.5 (MANE Select); coding-DNA position 999, C replaced by T.
Protein change: p.Ser333=; no amino-acid change (serine 333 retained).
Molecular consequence: synonymous variant.
Genome position (GRCh38, 1-based): chr9:136,518,691, G>A on the plus strand (C>T on the coding strand, the complement: NOTCH1 is on the minus strand). VCF-style: chr9-136518691-G-A. GRCh37 (hg19) VCF-style: chr9-139413143-G-A.
Other names: c.999C>T, p.Ser333= (LRG_1122t1); c.999C>T (NM_017617.4).
Identifiers: ClinVar variation 409051 (VCV000409051.28), dbSNP rs751646144, ClinGen allele CA5341963.